The following is an entry in ClinVar:

NM_030973.4(MED25):c.1133G>A (p.Gly378Asp)

Gene: MED25 (mediator complex subunit 25; plus strand). Cytogenetic location: 19q13.33.
Variant type: single nucleotide variant.
Coding change: c.1133G>A on transcript NM_030973.4 (MANE Select); coding-DNA position 1133, G replaced by A.
Protein change: p.Gly378Asp; replaces glycine 378 with aspartic acid.
Molecular consequence: missense variant.
Genome position (GRCh38, 1-based): chr19:49,831,364, G>A. VCF-style: chr19-49831364-G-A. GRCh37 (hg19) VCF-style: chr19-50334621-G-A.
Other names: c.1133G>A, p.Gly378Asp (NM_001378355.1); short protein forms G378D.
Identifiers: ClinVar variation 647012 (VCV000647012.8), dbSNP rs1600326536, ClinGen allele CA406916211.

ClinVar aggregate classification (germline): Uncertain significance (1 of 4 stars; one submission).

Conditions:
Charcot-Marie-Tooth disease type 2. Also called: Charcot-Marie-Tooth type 2. Identifiers: Orphanet 64746, MedGen C0270914, MONDO:0018993.

Submission:

Labcorp Genetics (formerly Invitae), Labcorp
Classification: Uncertain significance for Charcot-Marie-Tooth disease type 2. Last evaluated: 2018-12-20. Review status: criteria provided, single submitter. Criteria: Invitae Variant Classification Sherloc (09022015). Collection method: clinical testing. Allele origin: germline.
Comment: This sequence change replaces glycine with aspartic acid at codon 378 of the MED25 protein (p.Gly378Asp). The glycine residue is moderately conserved and there is a moderate physicochemical difference between glycine and aspartic acid. In summary, the available evidence is currently insufficient to determine the role of this variant in disease. Therefore, it has been classified as a Variant of Uncertain Significance. Algorithms developed to predict the effect of missense changes on protein structure and function (SIFT, PolyPhen-2, Align-GVGD) all suggest that this variant is likely to be tolerated, but these predictions have not been confirmed by published functional studies and their clinical significance is uncertain. This variant has not been reported in the literature in individuals with MED25-related conditions. This variant is not present in population databases (ExAC no frequency).